The following is an entry in ClinVar:

NM_001283009.2(RTEL1):c.1796C>A (p.Ser599Tyr)

Genes: RTEL1 (regulator of telomere elongation helicase 1; plus strand), RTEL1-TNFRSF6B (RTEL1-TNFRSF6B readthrough (NMD candidate); plus strand). Cytogenetic location: 20q13.33.
Variant type: single nucleotide variant.
Coding change: c.1796C>A on transcript NM_001283009.2 (MANE Select); coding-DNA position 1796, C replaced by A.
Protein change: p.Ser599Tyr; replaces serine 599 with tyrosine.
Molecular consequence: missense variant. On other transcripts: non-coding transcript variant (1).
Genome position (GRCh38, 1-based): chr20:63,688,601, C>A. VCF-style: chr20-63688601-C-A. GRCh37 (hg19) VCF-style: chr20-62319954-C-A.
Other names: c.1127C>A, p.Ser376Tyr (NM_001283010.1); c.1796C>A, p.Ser599Tyr (NM_016434.4); c.1868C>A, p.Ser623Tyr (NM_032957.5); short protein forms S599Y, S376Y, S623Y.
Identifiers: ClinVar variation 2180809 (VCV002180809.4), dbSNP rs767648273, ClinGen allele CA9964975.

ClinVar aggregate classification (germline): Uncertain significance. Review status: criteria provided, multiple submitters, no conflicts (2 of 4 stars). 2 submissions from 2 submitters: Uncertain significance (2). Last evaluated 2025-12-22.

Conditions:
Inborn genetic diseases. Identifiers: MedGen C0950123, MeSH D030342.
Pulmonary fibrosis and/or bone marrow failure, Telomere-related, 3. Also called: PULMONARY FIBROSIS AND/OR BONE MARROW FAILURE SYNDROME, TELOMERE-RELATED, 3. Identifiers: Orphanet 2032, MedGen C4225346, MONDO:0014613, OMIM 616373.
Dyskeratosis congenita, autosomal recessive 5 (DKCB5). Identifiers: MedGen C3554656, MONDO:0014076, OMIM 615190.

Allele frequency attached by ClinVar (database versions not stated): gnomAD exomes below 0.00001; gnomAD 0.00002; TOPMed 0.00002; ExAC 0.00002.

Submissions (2):

Labcorp Genetics (formerly Invitae), Labcorp
Classification: Uncertain significance for Dyskeratosis congenita, autosomal recessive 5; Pulmonary fibrosis and/or bone marrow failure, Telomere-related, 3. Last evaluated: 2025-12-22. Review status: criteria provided, single submitter. Criteria: Invitae Variant Classification Sherloc (09022015). Collection method: clinical testing. Allele origin: germline.
Comment: This sequence change replaces serine, which is neutral and polar, with tyrosine, which is neutral and polar, at codon 599 of the RTEL1 protein (p.Ser599Tyr). The frequency data for this variant in the population databases is considered unreliable, as metrics indicate poor data quality at this position in the gnomAD database. This variant has not been reported in the literature in individuals affected with RTEL1-related conditions. ClinVar contains an entry for this variant (Variation ID: 2180809). An algorithm developed to predict the effect of missense changes on protein structure and function (PolyPhen-2) suggests that this variant is likely to be disruptive. In summary, the available evidence is currently insufficient to determine the role of this variant in disease. Therefore, it has been classified as a Variant of Uncertain Significance.

Ambry Genetics
Classification: Uncertain significance for Inborn genetic diseases. Last evaluated: 2025-02-15. Review status: criteria provided, single submitter. Criteria: Ambry Variant Classification Scheme 2023. Collection method: clinical testing. Allele origin: germline.
Comment: The p.S599Y variant (also known as c.1796C>A), located in coding exon 20 of the RTEL1 gene, results from a C to A substitution at nucleotide position 1796. The serine at codon 599 is replaced by tyrosine, an amino acid with dissimilar properties. This amino acid position is conserved. In addition, the in silico prediction for this alteration is inconclusive. Based on the available evidence, the clinical significance of this variant remains unclear.